The following is an entry in ClinVar:

NM_007294.4(BRCA1):c.2981G>T (p.Cys994Phe)

Gene: BRCA1 (BRCA1 DNA repair associated; minus strand). Cytogenetic location: 17q21.31.
Variant type: single nucleotide variant.
Coding change: c.2981G>T on transcript NM_007294.4 (MANE Select); coding-DNA position 2981, G replaced by T.
Protein change: p.Cys994Phe; replaces cysteine 994 with phenylalanine.
Molecular consequence: missense variant. On other transcripts: intron variant (137).
Genome position (GRCh38, 1-based): chr17:43,092,550, C>A on the plus strand (G>T on the coding strand, the complement: BRCA1 is on the minus strand). VCF-style: chr17-43092550-C-A. GRCh37 (hg19) VCF-style: chr17-41244567-C-A.
Other names: c.647-1518G>T (NM_001408456.1, NM_001408410.1, NM_001408458.1 and 11 more transcripts); c.644-1518G>T (NM_001408465.1, NM_001408463.1, NM_001408462.1 and 3 more transcripts); c.578-1518G>T (NM_001408482.1, NM_001408484.1, NM_001408478.1 and 9 more transcripts); c.521-1518G>T (NM_001408504.1, NM_001408503.1, NM_001408505.1); c.524-1518G>T (NM_001408499.1, NM_001408498.1, NM_001408501.1 and 3 more transcripts); c.671-1518G>T (NM_001408422.1, NM_001408418.1, NM_001408423.1 and 2 more transcripts); c.707-1518G>T (NM_001408416.1, NM_001408413.1); c.662-1518G>T (NM_001408450.1, NM_001408434.1, NM_001408447.1 and 6 more transcripts); and 41 more; short protein forms C947F, C994F, C906F, C923F, C946F, C952F, C826F, C882F.
Identifiers: ClinVar variation 655973 (VCV000655973.14), dbSNP rs1238452758, ClinGen allele CA10596036.

ClinVar aggregate classification (germline): Conflicting classifications of pathogenicity. Review status: criteria provided, conflicting classifications (1 of 4 stars). 3 submissions from 3 submitters: Uncertain significance (2); Likely benign (1). Last evaluated 2023-03-23.

Conditions:
Hereditary breast ovarian cancer syndrome. Also called: Hereditary breast and ovarian cancer; Hereditary breast and/or ovarian cancer syndrome; Breast and ovarian cancer; BRCA1- and BRCA2-Associated Hereditary Breast and Ovarian Cancer; Hereditary breast and ovarian cancer syndrome; Hereditary breast and ovarian cancer syndrome (HBOC). Identifiers: Orphanet 145, MedGen C0677776, MeSH D061325, MONDO:0003582. Disease mechanism: loss of function.
Hereditary cancer-predisposing syndrome. Also called: Hereditary neoplastic syndrome; Tumor predisposition; Neoplastic Syndromes, Hereditary; Hereditary Cancer Syndrome. Identifiers: Orphanet 140162, MedGen C0027672, MeSH D009386, MONDO:0015356.

gnomAD v4.1: 1 of 1,613,998 alleles (0.000062%); highest among the groups gnomAD compares: Non-Finnish European, 0.000085%; no homozygotes.

Submissions (3):

University of Washington Department of Laboratory Medicine, University of Washington
Classification: Likely benign for Hereditary cancer-predisposing syndrome. Last evaluated: 2023-03-23. Review status: criteria provided, single submitter. Criteria: Dines et al. (Genet Med. 2020). Collection method: curation. Allele origin: germline.
Comment: Missense variant in a coldspot region where missense variants are very unlikely to be pathogenic (PMID:31911673).

BRCA1 coldspot (exon 11 using historical exon numbering). Reclassification based on statistical prior probability

Ambry Genetics
Classification: Uncertain significance for Hereditary cancer-predisposing syndrome. Last evaluated: 2022-08-15. Review status: criteria provided, single submitter. Criteria: Ambry Variant Classification Scheme 2023. Collection method: clinical testing. Allele origin: germline.
Comment: The p.C994F variant (also known as c.2981G>T), located in coding exon 9 of the BRCA1 gene, results from a G to T substitution at nucleotide position 2981. The cysteine at codon 994 is replaced by phenylalanine, an amino acid with highly dissimilar properties. This amino acid position is conserved. In addition, this alteration is predicted to be tolerated by in silico analysis. Since supporting evidence is limited at this time, the clinical significance of this alteration remains unclear.

Labcorp Genetics (formerly Invitae), Labcorp
Classification: Uncertain significance for Hereditary breast ovarian cancer syndrome. Last evaluated: 2021-07-15. Review status: criteria provided, single submitter. Criteria: Invitae Variant Classification Sherloc (09022015). Collection method: clinical testing. Allele origin: germline.
Comment: This variant has not been reported in the literature in individuals with BRCA1-related disease. This variant is not present in population databases (ExAC no frequency). This sequence change replaces cysteine with phenylalanine at codon 994 of the BRCA1 protein (p.Cys994Phe). The cysteine residue is moderately conserved and there is a large physicochemical difference between cysteine and phenylalanine. Algorithms developed to predict the effect of missense changes on protein structure and function (SIFT, PolyPhen-2, Align-GVGD) all suggest that this variant is likely to be tolerated, but these predictions have not been confirmed by published functional studies and their clinical significance is uncertain. In summary, the available evidence is currently insufficient to determine the role of this variant in disease. Therefore, it has been classified as a Variant of Uncertain Significance.